The following is an entry in ClinVar:

ClinVar aggregate classification (germline): Likely pathogenic (1 of 4 stars; one submission).

Submission:

Labcorp Genetics (formerly Invitae), Labcorp
Classification: Likely pathogenic. Last evaluated: 2022-08-09. Review status: criteria provided, single submitter. Criteria: Invitae Variant Classification Sherloc (09022015). Collection method: clinical testing. Allele origin: germline.
Comment: This variant is also known as c.2280+1dup. In summary, the currently available evidence indicates that the variant is pathogenic, but additional data are needed to prove that conclusively. Therefore, this variant has been classified as Likely Pathogenic. This variant disrupts the C-terminus of the CDH3 protein. Other variant(s) that disrupt this region (p.Gly786Alafs*7 ) have been observed in individuals with CDH3-related conditions (PMID: 27386845). This suggests that this may be a clinically significant region of the protein. ClinVar contains an entry for this variant (Variation ID: 1426553). This premature translational stop signal has been observed in individual(s) with clinical features of CDH3-related conditions (Invitae). In at least one individual the data is consistent with being in trans (on the opposite chromosome) from a pathogenic variant. This variant is not present in population databases (gnomAD no frequency). This sequence change creates a premature translational stop signal (p.Asn761Glufs*6) in the CDH3 gene. While this is not anticipated to result in nonsense mediated decay, it is expected to disrupt the last 69 amino acid(s) of the CDH3 protein.

Literature cited by the submitters: PubMed 27386845.

NM_001793.6(CDH3):c.2280+1dup

Gene: CDH3 (cadherin 3; plus strand). Cytogenetic location: 16q22.1.
Variant type: Duplication.
Coding change: c.2280+1dup on transcript NM_001793.6 (MANE Select); the canonical splice donor site of the intron after coding-DNA position 2280, one base duplicated (G; older notation c.2280+1dupG).
Molecular consequence: splice donor variant.
Genome position (GRCh38, 1-based): chr16:68,695,924, G duplicated; the last of 2 consecutive G bases (chr16:68,695,923-68,695,924); duplicating either gives the same sequence. VCF-style (leftmost placement, unchanged base first): chr16-68695922-A-AG. GRCh37 (hg19) VCF-style: chr16-68729825-A-AG.
Other names: c.2115+1dup (NM_001317196.2); c.2280+1dup (NM_001317195.3).
Identifiers: ClinVar variation 1426553 (VCV001426553.6), dbSNP rs2152107192, ClinGen allele CA2573152571.